The following is an entry in ClinVar:

NM_000639.3(FASLG):c.639G>A (p.Met213Ile)

Gene: FASLG (Fas ligand; plus strand). Cytogenetic location: 1q24.3.
Variant type: single nucleotide variant.
Coding change: c.639G>A on transcript NM_000639.3 (MANE Select); coding-DNA position 639, G replaced by A.
Protein change: p.Met213Ile; replaces methionine 213 with isoleucine.
Molecular consequence: missense variant. On other transcripts: 3 prime UTR variant (1).
Genome position (GRCh38, 1-based): chr1:172,665,809, G>A. VCF-style: chr1-172665809-G-A. GRCh37 (hg19) VCF-style: chr1-172634949-G-A.
Other names: c.*209G>A (NM_001302746.2); short protein forms M213I.
Identifiers: ClinVar variation 2789216 (VCV002789216.3), dbSNP rs753616723, ClinGen allele CA1247598.
Genomic context (GRCh38, chr1:172,665,809, plus strand): 5'-CAAAGTATACTTCCGGGGTCAATCTTGCAACAACCTGCCCCTGAGCCACAAGGTCTACAT[G>A]AGGAACTCTAAGTATCCCCAGGATCTGGTGATGATGGAGGGGAAGATGATGAGCTACTGC-3'
Protein context (NP_000630.1, residues 203-223): NNLPLSHKVY[Met213Ile]RNSKYPQDLV

ClinVar aggregate classification (germline): Uncertain significance (1 of 4 stars; one submission).

Conditions:
Autoimmune lymphoproliferative syndrome type 1. Also called: AUTOIMMUNE LYMPHOPROLIFERATIVE SYNDROME, TYPE I, AUTOSOMAL DOMINANT. Identifiers: Orphanet 3261, MedGen C2717884, MONDO:0011158, OMIM 601859.

Allele frequency attached by ClinVar (database versions not stated): gnomAD exomes 0.00001; ExAC 0.00002.
gnomAD v4.1: 3 of 1,614,158 alleles (0.00019%); highest among the groups gnomAD compares: Admixed American, 0.005%; no homozygotes.

Submission:

Labcorp Genetics (formerly Invitae), Labcorp
Classification: Uncertain significance for Autoimmune lymphoproliferative syndrome. Last evaluated: 2023-11-03. Review status: criteria provided, single submitter. Criteria: Invitae Variant Classification Sherloc (09022015). Collection method: clinical testing. Allele origin: germline.
Comment: This sequence change replaces methionine, which is neutral and non-polar, with isoleucine, which is neutral and non-polar, at codon 213 of the FASLG protein (p.Met213Ile). This variant is present in population databases (rs753616723, gnomAD 0.009%). This variant has not been reported in the literature in individuals affected with FASLG-related conditions. Advanced modeling of protein sequence and biophysical properties (such as structural, functional, and spatial information, amino acid conservation, physicochemical variation, residue mobility, and thermodynamic stability) performed at Invitae indicates that this missense variant is not expected to disrupt FASLG protein function with a negative predictive value of 80%. In summary, the available evidence is currently insufficient to determine the role of this variant in disease. Therefore, it has been classified as a Variant of Uncertain Significance.